The following is an entry in ClinVar:

ClinVar aggregate classification (germline): Uncertain significance (1 of 4 stars; one submission).

Conditions:
TUBB4A-related disorder. Also called: TUBB4A-related condition.

Submission:

Laboratorio de Biologia Molecular/Medicina Genomica - IFF/Fiocruz, Instituto Fernandes Figueira, Fundacao Oswaldo Cruz
Classification: Uncertain significance for TUBB4A-related conditions. Last evaluated: 2025-04-11. Review status: criteria provided, single submitter. Criteria: ACMG Guidelines, 2015. Collection method: clinical testing. Allele origin: germline. Affected: yes. Observed: 1 variant allele.
Comment: Variant: c.515_547del (p.Ser172_Pro182del) in exon 4 of the TUBB4A gene. Protein effect: Inframe deletion. Population database (gnomAD): Absent. ACMG/AMP criteria applied: PM4, PM2_Supporting

NM_006087.4(TUBB4A):c.515_547del (p.Ser172_Pro182del)

Gene: TUBB4A (tubulin beta 4A class IVa; minus strand). Cytogenetic location: 19p13.3.
Variant type: Deletion.
Coding change: c.515_547del on transcript NM_006087.4 (MANE Select); coding-DNA positions 515 to 547, 33 bases deleted.
Protein change: p.Ser172_Pro182del.
Genome position (GRCh38, 1-based): chr19:6,495,952-6,495,984, 33 bases deleted; deleting any 33 consecutive bases within chr19:6,495,952-6,495,989 gives the same sequence; the c. name uses the placement nearest the transcript's 3' end. GRCh37 (hg19): chr19:6,495,968-6,496,000.
Other names: c.668_700del, p.Ser223_Pro233del (NM_001289123.2); c.650_682del, p.Ser217_Pro227del (NM_001289127.2); c.515_547del, p.Ser172_Pro182del (NM_001289129.2); c.299_331del, p.Ser100_Pro110del (NM_001289130.2, NM_001289131.2).
Identifiers: ClinVar variation 4795197 (VCV004795197.1).